The following is an entry in ClinVar:

NM_002691.4(POLD1):c.451C>A (p.Pro151Thr)

Gene: POLD1 (DNA polymerase delta 1, catalytic subunit; plus strand). Cytogenetic location: 19q13.33.
Variant type: single nucleotide variant.
Coding change: c.451C>A on transcript NM_002691.4 (MANE Select); coding-DNA position 451, C replaced by A.
Protein change: p.Pro151Thr; replaces proline 151 with threonine.
Molecular consequence: missense variant. On other transcripts: non-coding transcript variant (1).
Genome position (GRCh38, 1-based): chr19:50,401,912, C>A. VCF-style: chr19-50401912-C-A. GRCh37 (hg19) VCF-style: chr19-50905169-C-A.
Other names: c.451C>A, p.Pro151Thr (NM_001256849.1, NM_001308632.1, NM_001438210.1 and 3 more transcripts); short protein forms P151T.
Identifiers: ClinVar variation 4774801 (VCV004774801.1).

ClinVar aggregate classification (germline): Uncertain significance (1 of 4 stars; one submission).

Conditions:
POLD1-related polyposis and colorectal cancer syndrome (CRCS10). Also called: COLORECTAL CANCER, SUSCEPTIBILITY TO, ON CHROMOSOME 19q; Colorectal cancer 10; Colorectal cancer, susceptibility to, 10. Identifiers: Orphanet 220460, MedGen C2675481, MONDO:0012953, OMIM 612591.

Submission:

Labcorp Genetics (formerly Invitae), Labcorp
Classification: Uncertain significance for POLD1-related polyposis and colorectal cancer syndrome. Last evaluated: 2025-06-22. Review status: criteria provided, single submitter. Criteria: Invitae Variant Classification Sherloc (09022015). Collection method: clinical testing. Allele origin: germline.
Comment: This sequence change replaces proline, which is neutral and non-polar, with threonine, which is neutral and polar, at codon 151 of the POLD1 protein (p.Pro151Thr). This variant is not present in population databases (gnomAD no frequency). This variant has not been reported in the literature in individuals affected with POLD1-related conditions. Invitae Evidence Modeling of protein sequence and biophysical properties (such as structural, functional, and spatial information, amino acid conservation, physicochemical variation, residue mobility, and thermodynamic stability) indicates that this missense variant is not expected to disrupt POLD1 protein function with a negative predictive value of 80%. In summary, the available evidence is currently insufficient to determine the role of this variant in disease. Therefore, it has been classified as a Variant of Uncertain Significance.